The following is an entry in ClinVar:

ClinVar aggregate classification (germline): Likely pathogenic. Review status: criteria provided, multiple submitters, no conflicts (2 of 4 stars). 4 submissions from 4 submitters: Likely pathogenic (4). Last evaluated 2025-10-09.

Conditions:
Fanconi anemia complementation group O. Also called: RAD51C-Related Fanconi Anemia. Identifiers: Orphanet 84, MedGen C3150653, MONDO:0013248, OMIM 613390.
Hereditary cancer-predisposing syndrome. Also called: Hereditary Cancer Syndrome; Neoplastic Syndromes, Hereditary; Tumor predisposition; Hereditary neoplastic syndrome. Identifiers: Orphanet 140162, MedGen C0027672, MeSH D009386, MONDO:0015356.
Breast-ovarian cancer, familial, susceptibility to, 3. Also called: RAD51C-Related Breast/Ovarian Cancer. Identifiers: Orphanet 145, MedGen C3150659, MONDO:0013253, OMIM 613399.

Submissions (4):

Ambry Genetics
Classification: Likely pathogenic for Hereditary cancer-predisposing syndrome. Last evaluated: 2025-10-09. Review status: criteria provided, single submitter. Criteria: Ambry Variant Classification Scheme 2023. Collection method: clinical testing. Allele origin: germline.
Comment: The c.904+1G>A intronic variant results from a G to A substitution one nucleotide after coding exon 6 of the RAD51C gene. This variant is considered to be rare based on population cohorts in the Genome Aggregation Database (gnomAD). This nucleotide position is highly conserved in available vertebrate species. In silico splice site analysis predicts that this alteration will weaken the native splice donor site and may result in the creation or strengthening of a novel splice donor site. RNA studies have demonstrated that this alteration results in abnormal splicing in the set of samples tested (Ambry internal data). Alterations that disrupt the canonical splice site are expected to cause aberrant splicing, resulting in an abnormal protein or a transcript that is subject to nonsense-mediated mRNA decay. As such, this alteration is classified as likely pathogenic.

Myriad Genetics, Inc.
Classification: Likely pathogenic for Breast-ovarian cancer, familial, susceptibility to, 3. Last evaluated: 2024-01-03. Review status: criteria provided, single submitter. Criteria: Myriad Autosomal Dominant, Autosomal Recessive and X-Linked Classification Criteria (2023). Collection method: clinical testing. Allele origin: unknown.
Comment: This variant is considered likely pathogenic. This variant occurs within a consensus splice junction and is predicted to result in abnormal mRNA splicing of either an out-of-frame exon or an in-frame exon necessary for protein stability and/or normal function.

Labcorp Genetics (formerly Invitae), Labcorp
Classification: Likely pathogenic for Fanconi anemia complementation group O. Last evaluated: 2021-09-08. Review status: criteria provided, single submitter. Criteria: Invitae Variant Classification Sherloc (09022015). Collection method: clinical testing. Allele origin: germline.
Comment: In summary, the currently available evidence indicates that the variant is pathogenic, but additional data are needed to prove that conclusively. Therefore, this variant has been classified as Likely Pathogenic. This sequence change affects a donor splice site in intron 6 of the RAD51C gene. It is expected to disrupt RNA splicing. Variants that disrupt the donor or acceptor splice site typically lead to a loss of protein function (PMID: 16199547), and loss-of-function variants in RAD51C are known to be pathogenic (PMID: 20400964, 21990120, 24800917). This variant is not present in population databases (ExAC no frequency). This variant has not been reported in the literature in individuals affected with RAD51C-related conditions. ClinVar contains an entry for this variant (Variation ID: 630978). Algorithms developed to predict the effect of sequence changes on RNA splicing suggest that this variant may disrupt the consensus splice site.

Color Diagnostics, LLC DBA Color Health
Classification: Likely pathogenic for Hereditary cancer-predisposing syndrome. Last evaluated: 2020-02-27. Review status: criteria provided, single submitter. Criteria: ACMG Guidelines, 2015. Collection method: clinical testing. Allele origin: germline.
Comment: This variant causes a G to A nucleotide substitution at the +1 position of intron 6 of the RAD51C gene. Splice site prediction tools predict that this variant may have a significant impact on RNA splicing. Although this prediction has not been confirmed in published RNA studies, this variant is expected to result in an absent or disrupted protein product. To our knowledge, functional studies have not been reported for this variant. This variant has been reported in 1 individual affected with breast cancer (AACR 2017 poster). This variant has not been identified in the general population by the Genome Aggregation Database (gnomAD). Loss of RAD51C function is a known mechanism of disease. Based on the available evidence, this variant is classified as Likely Pathogenic.

Literature cited by the submitters: PubMed 16199547 (cited by Labcorp Genetics (formerly Invitae), Labcorp); PubMed 20400964 (cited by Labcorp Genetics (formerly Invitae), Labcorp); PubMed 21990120 (cited by Labcorp Genetics (formerly Invitae), Labcorp); PubMed 24800917 (cited by Labcorp Genetics (formerly Invitae), Labcorp).

NM_058216.3(RAD51C):c.904+1G>A

Gene: RAD51C (RAD51 paralog C; plus strand). Cytogenetic location: 17q22.
Variant type: single nucleotide variant.
Coding change: c.904+1G>A on transcript NM_058216.3 (MANE Select); the canonical splice donor site of the intron after coding-DNA position 904, G replaced by A.
Molecular consequence: splice donor variant.
Genome position (GRCh38, 1-based): chr17:58,720,813, G>A. VCF-style: chr17-58720813-G-A. GRCh37 (hg19) VCF-style: chr17-56798174-G-A.
Identifiers: ClinVar variation 630978 (VCV000630978.14), dbSNP rs1555602159, ClinGen allele CA400359854.
Genomic context (GRCh38, chr17:58,720,813, plus strand): 5'-TAACCAATCAGATGACAACAAAGATTGATAGAAATCAGGCCTTGCTTGTTCCTGCATTAG[G>A]TGGGTAATTAATCAGATAAACATTTTAGTTTATCACAGTTTTTCTTATCTCTTTCATTTG-3'